The following is an entry in ClinVar:

ClinVar aggregate classification (germline): Uncertain significance (1 of 4 stars; one submission).

Allele frequency attached by ClinVar (database versions not stated): gnomAD exomes 0.00002; TOPMed 0.00002; ExAC 0.00003; gnomAD 0.00004; 1000 Genomes Project 30x 0.00016; 1000 Genomes Project 0.00020.
gnomAD v4.1: 29 of 1,612,922 alleles (0.0018%); highest among the groups gnomAD compares: South Asian, 0.013%; no homozygotes.

Submission:

GeneDx
Classification: Uncertain significance. Last evaluated: 2023-09-01. Review status: criteria provided, single submitter. Criteria: GeneDx Variant Classification Process June 2021. Collection method: clinical testing. Allele origin: germline. Affected: yes.
Comment: Not observed at significant frequency in large population cohorts (gnomAD); In silico analysis supports that this missense variant does not alter protein structure/function; Has not been previously published as pathogenic or benign to our knowledge

NM_016239.4(MYO15A):c.10453G>A (p.Val3485Met)

Gene: MYO15A (myosin XVA; plus strand). Cytogenetic location: 17p11.2.
Variant type: single nucleotide variant.
Coding change: c.10453G>A on transcript NM_016239.4 (MANE Select); coding-DNA position 10453, G replaced by A.
Protein change: p.Val3485Met; replaces valine 3485 with methionine.
Molecular consequence: missense variant.
Genome position (GRCh38, 1-based): chr17:18,173,883, G>A. VCF-style: chr17-18173883-G-A. GRCh37 (hg19) VCF-style: chr17-18077197-G-A.
Other names: short protein forms V3485M.
Identifiers: ClinVar variation 2578236 (VCV002578236.1), dbSNP rs369806356, ClinGen allele CA8425945.